The following is an entry in ClinVar:

ClinVar aggregate classification (germline): Pathogenic/Likely pathogenic. Review status: criteria provided, multiple submitters, no conflicts (2 of 4 stars). 3 submissions from 3 submitters: Pathogenic (1); Likely pathogenic (2). Last evaluated 2024-06-01.

Conditions:
Methylmalonic aciduria due to methylmalonyl-CoA mutase deficiency (MAMM). Also called: Methylmalonic aciduria, mut type. Identifiers: Orphanet 27, MedGen C1855114, MONDO:0009612, OMIM 251000.

Submissions (3):

CeGaT Center for Human Genetics Tuebingen
Classification: Likely pathogenic. Last evaluated: 2024-06-01. Review status: criteria provided, single submitter. Criteria: CeGaT Center For Human Genetics Tuebingen Variant Classification Criteria Version 2. Collection method: clinical testing. Allele origin: germline. Affected: yes. Observed: 1 variant allele.
Comment: MMUT: PM2, PM3, PM5, PP4

Labcorp Genetics (formerly Invitae), Labcorp
Classification: Pathogenic. Last evaluated: 2023-08-19. Review status: criteria provided, single submitter. Criteria: Invitae Variant Classification Sherloc (09022015). Collection method: clinical testing. Allele origin: germline.
Comment: This missense change has been observed in individual(s) with methylmalonic acidemia (PMID: 16281286). This variant is present in population databases (no rsID available, gnomAD 0.003%). This sequence change replaces asparagine, which is neutral and polar, with histidine, which is basic and polar, at codon 388 of the MUT protein (p.Asn388His). ClinVar contains an entry for this variant (Variation ID: 1804011). For these reasons, this variant has been classified as Pathogenic. This variant disrupts the p.Asn388 amino acid residue in MUT. Other variant(s) that disrupt this residue have been observed in individuals with MUT-related conditions (PMID: 27167370), which suggests that this may be a clinically significant amino acid residue. Advanced modeling of protein sequence and biophysical properties (such as structural, functional, and spatial information, amino acid conservation, physicochemical variation, residue mobility, and thermodynamic stability) performed at Invitae indicates that this missense variant is expected to disrupt MUT protein function.

Institute of Human Genetics Munich, TUM University Hospital
Classification: Likely pathogenic for Methylmalonic aciduria due to methylmalonyl-CoA mutase deficiency. Last evaluated: 2022-06-15. Review status: criteria provided, single submitter. Criteria: Classification criteria August 2017. Collection method: clinical testing. Allele origin: inherited. Inheritance: Autosomal recessive inheritance. Affected: yes. Observed: 1 variant allele.

Literature cited by the submitters: PubMed 16281286 (cited by Labcorp Genetics (formerly Invitae), Labcorp); PubMed 27167370 (cited by Labcorp Genetics (formerly Invitae), Labcorp).

NM_000255.4(MMUT):c.1162A>C (p.Asn388His)

Gene: MMUT (methylmalonyl-CoA mutase; minus strand). Cytogenetic location: 6p12.3.
Variant type: single nucleotide variant.
Coding change: c.1162A>C on transcript NM_000255.4 (MANE Select); coding-DNA position 1162, A replaced by C.
Protein change: p.Asn388His; replaces asparagine 388 with histidine.
Molecular consequence: missense variant.
Genome position (GRCh38, 1-based): chr6:49,451,636, T>G on the plus strand (A>C on the coding strand, the complement: MMUT is on the minus strand). VCF-style: chr6-49451636-T-G. GRCh37 (hg19) VCF-style: chr6-49419349-T-G.
Other names: short protein forms N388H.
Identifiers: ClinVar variation 1804011 (VCV001804011.22), dbSNP rs766010704, ClinGen allele CA364398989.